The following is an entry in ClinVar:

NC_000015.9:g.(?_68500468)_(68504211_?)del

Gene: CLN6 (CLN6 transmembrane ER protein; minus strand). Cytogenetic location: 15q23.
Variant type: Deletion.
Identifiers: ClinVar variation 2426367 (VCV002426367.4).

ClinVar aggregate classification (germline): Likely pathogenic (1 of 4 stars; one submission).

Conditions:
Neuronal ceroid lipofuscinosis. Also called: Neuronal Ceroid Lipofuscinoses. Identifiers: Orphanet 216, Orphanet 79263, MedGen C0027877, MONDO:0016295. Disease mechanism: loss of function.

Submission:

Labcorp Genetics (formerly Invitae), Labcorp
Classification: Likely pathogenic for Neuronal ceroid lipofuscinosis. Last evaluated: 2022-06-13. Review status: criteria provided, single submitter. Criteria: Invitae Variant Classification Sherloc (09022015). Collection method: clinical testing. Allele origin: germline.
Comment: This variant is a gross deletion of the genomic region encompassing exon(s) 4-7 of the CLN6 gene, which includes the termination codon. This deletion extends beyond the assayed region for this gene and therefore may encompass additional genes. While this deletion is not anticipated to lead to nonsense mediated decay, it is expected to alter mRNA translation or result in a truncated protein product. This variant has not been reported in the literature in individuals affected with CLN6-related conditions. This variant disrupts the p.Arg103 amino acid residue in CLN6. Other variant(s) that disrupt this residue have been determined to be pathogenic (PMID: 18846690, 21549341, 27903347, 30561534). This suggests that this residue is clinically significant, and that variants that disrupt this residue are likely to be disease-causing. In summary, the currently available evidence indicates that the variant is pathogenic, but additional data are needed to prove that conclusively. Therefore, this variant has been classified as Likely Pathogenic.

Literature cited by the submitters: PubMed 18846690; PubMed 21549341; PubMed 27903347; PubMed 30561534.